The following is an entry in ClinVar:

ClinVar aggregate classification (germline): Uncertain significance (1 of 4 stars; one submission).

Submission:

Labcorp Genetics (formerly Invitae), Labcorp
Classification: Uncertain significance. Last evaluated: 2024-09-05. Review status: criteria provided, single submitter. Criteria: Invitae Variant Classification Sherloc (09022015). Collection method: clinical testing. Allele origin: germline.
Comment: This sequence change replaces leucine, which is neutral and non-polar, with isoleucine, which is neutral and non-polar, at codon 432 of the VPS33B protein (p.Leu432Ile). This variant is not present in population databases (gnomAD no frequency). This variant has not been reported in the literature in individuals affected with VPS33B-related conditions. ClinVar contains an entry for this variant (Variation ID: 1969378). Invitae Evidence Modeling of protein sequence and biophysical properties (such as structural, functional, and spatial information, amino acid conservation, physicochemical variation, residue mobility, and thermodynamic stability) indicates that this missense variant is not expected to disrupt VPS33B protein function with a negative predictive value of 80%. In summary, the available evidence is currently insufficient to determine the role of this variant in disease. Therefore, it has been classified as a Variant of Uncertain Significance.

NM_018668.5(VPS33B):c.1294C>A (p.Leu432Ile)

Gene: VPS33B (VPS33B late endosome and lysosome associated; minus strand). Cytogenetic location: 15q26.1.
Variant type: single nucleotide variant.
Coding change: c.1294C>A on transcript NM_018668.5 (MANE Select); coding-DNA position 1294, C replaced by A.
Protein change: p.Leu432Ile; replaces leucine 432 with isoleucine.
Molecular consequence: missense variant.
Genome position (GRCh38, 1-based): chr15:91,002,161, G>T on the plus strand (C>A on the coding strand, the complement: VPS33B is on the minus strand). VCF-style: chr15-91002161-G-T. GRCh37 (hg19) VCF-style: chr15-91545391-G-T.
Other names: c.1213C>A, p.Leu405Ile (NM_001289148.1); c.1021C>A, p.Leu341Ile (NM_001289149.1); short protein forms L405I, L432I, L341I.
Identifiers: ClinVar variation 1969378 (VCV001969378.5), dbSNP rs2544209650, ClinGen allele CA393886724.